The following is an entry in ClinVar:

NM_020911.2(PLXNA4):c.2464G>A (p.Ala822Thr)

Gene: PLXNA4 (plexin A4; minus strand). Cytogenetic location: 7q32.3.
Variant type: single nucleotide variant.
Coding change: c.2464G>A on transcript NM_020911.2 (MANE Select); coding-DNA position 2464, G replaced by A.
Protein change: p.Ala822Thr; replaces alanine 822 with threonine.
Molecular consequence: missense variant.
Genome position (GRCh38, 1-based): chr7:132,202,768, C>T on the plus strand (G>A on the coding strand, the complement: PLXNA4 is on the minus strand). VCF-style: chr7-132202768-C-T. GRCh37 (hg19) VCF-style: chr7-131887527-C-T.
Other names: c.2464G>A, p.Ala822Thr (NM_001393897.1); short protein forms A822T.
Identifiers: ClinVar variation 3357720 (VCV003357720.1).
Genomic context (GRCh38, chr7:132,202,768, plus strand): 5'-CCTGGGCAGGGCAGTGCTGGCGCAGGGTGCACTGGCCTGGGCCCTGGCACCAGCCACATG[C>T]GAAGTCTGGGTCAGCCTTGAGGCACAGCCCGCAGCTCTCACGCATGGCTCCACACTTGTA-3'
Protein context (NP_065962.1, residues 812-832): GLCLKADPDF[Ala822Thr]CGWCQGPGQC

ClinVar aggregate classification (germline): Uncertain significance (0 of 4 stars; one submission).

Conditions:
PLXNA4-related disorder. Also called: PLXNA4-related condition.

gnomAD v4.1: 15 of 1,611,848 alleles (0.00093%); highest among the groups gnomAD compares: Middle Eastern, 0.033%; no homozygotes.

Submission:

PreventionGenetics, part of Exact Sciences
Classification: Uncertain significance for PLXNA4-related condition. Last evaluated: 2024-04-11. Review status: no assertion criteria provided. Collection method: clinical testing. Allele origin: germline.
Comment: The PLXNA4 c.2464G>A variant is predicted to result in the amino acid substitution p.Ala822Thr. To our knowledge, this variant has not been reported in the literature. This variant is reported in 0.0059% of alleles in individuals of Latino descent in gnomAD. At this time, the clinical significance of this variant is uncertain due to the absence of conclusive functional and genetic evidence.